The following is an entry in ClinVar:

NM_014236.4(GNPAT):c.483T>G (p.Ser161Arg)

Gene: GNPAT (glyceronephosphate O-acyltransferase; plus strand). Cytogenetic location: 1q42.2.
Variant type: single nucleotide variant.
Coding change: c.483T>G on transcript NM_014236.4 (MANE Select); coding-DNA position 483, T replaced by G.
Protein change: p.Ser161Arg; replaces serine 161 with arginine.
Molecular consequence: missense variant.
Genome position (GRCh38, 1-based): chr1:231,262,767, T>G. VCF-style: chr1-231262767-T-G. GRCh37 (hg19) VCF-style: chr1-231398513-T-G.
Other names: c.300T>G, p.Ser100Arg (NM_001316350.2); short protein forms S161R, S100R.
Identifiers: ClinVar variation 520699 (VCV000520699.7), dbSNP rs1259353676, ClinGen allele CA345232012.

ClinVar aggregate classification (germline): Uncertain significance. Review status: criteria provided, multiple submitters, no conflicts (2 of 4 stars). 2 submissions from 2 submitters: Uncertain significance (2). Last evaluated 2025-11-10.

Conditions:
Inborn genetic diseases. Identifiers: MedGen C0950123, MeSH D030342.

Allele frequency attached by ClinVar (database versions not stated): gnomAD exomes 0.00001.
gnomAD v4.1: 4 of 1,607,138 alleles (0.00025%); highest among the groups gnomAD compares: Admixed American, 0.005%; no homozygotes.

Submissions (2):

Labcorp Genetics (formerly Invitae), Labcorp
Classification: Uncertain significance. Last evaluated: 2025-11-10. Review status: criteria provided, single submitter. Criteria: Invitae Variant Classification Sherloc (09022015). Collection method: clinical testing. Allele origin: germline.
Comment: This sequence change replaces serine, which is neutral and polar, with arginine, which is basic and polar, at codon 161 of the GNPAT protein (p.Ser161Arg). This variant is present in population databases (no rsID available, gnomAD 0.009%). This variant has not been reported in the literature in individuals affected with GNPAT-related conditions. ClinVar contains an entry for this variant (Variation ID: 520699). Invitae Evidence Modeling of protein sequence and biophysical properties (such as structural, functional, and spatial information, amino acid conservation, physicochemical variation, residue mobility, and thermodynamic stability) indicates that this missense variant is expected to disrupt GNPAT protein function with a positive predictive value of 80%. In summary, the available evidence is currently insufficient to determine the role of this variant in disease. Therefore, it has been classified as a Variant of Uncertain Significance.

Ambry Genetics
Classification: Uncertain significance for Inborn genetic diseases. Last evaluated: 2015-06-05. Review status: criteria provided, single submitter. Criteria: Ambry exome assertion method (8-5-2015). Collection method: clinical testing. Allele origin: germline. Affected: yes. Observed: 1 variant allele.